The following is an entry in ClinVar:

ClinVar aggregate classification (germline): Uncertain significance. Review status: criteria provided, multiple submitters, no conflicts (2 of 4 stars). 3 submissions from 3 submitters: Uncertain significance (2). 1 of the submissions does not count toward it. Last evaluated 2024-10-30.

Conditions:
Fibrous dysplasia of jaw (CRBM). Also called: Cherubism. Identifiers: Orphanet 184, MedGen C0008029, MONDO:0007315, OMIM 118400.
SH3BP2-related disorder. Also called: SH3BP2-related condition.

Allele frequency attached by ClinVar (database versions not stated): gnomAD exomes 0.00002 and 0.00008; TOPMed 0.00005; gnomAD 0.00006; ExAC 0.00007.
gnomAD v4.1: 122 of 1,579,144 alleles (0.0077%); highest among the groups gnomAD compares: East Asian, 0.016%; no homozygotes.

Submissions (3):

Labcorp Genetics (formerly Invitae), Labcorp
Classification: Uncertain significance for Fibrous dysplasia of jaw. Last evaluated: 2024-10-30. Review status: criteria provided, single submitter. Criteria: Invitae Variant Classification Sherloc (09022015). Collection method: clinical testing. Allele origin: germline.
Comment: This sequence change replaces arginine, which is basic and polar, with cysteine, which is neutral and slightly polar, at codon 126 of the SH3BP2 protein (p.Arg126Cys). The frequency data for this variant in the population databases is considered unreliable, as metrics indicate poor data quality at this position in the gnomAD database. This variant has not been reported in the literature in individuals affected with SH3BP2-related conditions. ClinVar contains an entry for this variant (Variation ID: 1491643). Invitae Evidence Modeling of protein sequence and biophysical properties (such as structural, functional, and spatial information, amino acid conservation, physicochemical variation, residue mobility, and thermodynamic stability) indicates that this missense variant is not expected to disrupt SH3BP2 protein function with a negative predictive value of 95%. In summary, the available evidence is currently insufficient to determine the role of this variant in disease. Therefore, it has been classified as a Variant of Uncertain Significance.

Mayo Clinic Laboratories, Mayo Clinic
Classification: Uncertain significance. Last evaluated: 2022-07-20. Review status: criteria provided, single submitter. Criteria: ACMG Guidelines, 2015. Collection method: clinical testing. Allele origin: germline. Observed: 1 variant allele.

PreventionGenetics, part of Exact Sciences
Classification: Uncertain significance for SH3BP2-related condition. Last evaluated: 2024-01-17. Review status: no assertion criteria provided. Collection method: clinical testing. Allele origin: germline. Not counted in ClinVar's aggregate classification.
Comment: The SH3BP2 c.376C>T variant is predicted to result in the amino acid substitution p.Arg126Cys. To our knowledge, this variant has not been reported in the literature. This variant is reported in 0.012% of alleles in individuals of East Asian descent in gnomAD. At this time, the clinical significance of this variant is uncertain due to the absence of conclusive functional and genetic evidence.

NM_001122681.2(SH3BP2):c.376C>T (p.Arg126Cys)

Gene: SH3BP2 (SH3 domain binding protein 2; plus strand). Cytogenetic location: 4p16.3.
Variant type: single nucleotide variant.
Coding change: c.376C>T on transcript NM_001122681.2 (MANE Select); coding-DNA position 376, C replaced by T.
Protein change: p.Arg126Cys; replaces arginine 126 with cysteine.
Molecular consequence: missense variant.
Genome position (GRCh38, 1-based): chr4:2,825,144, C>T. VCF-style: chr4-2825144-C-T. GRCh37 (hg19) VCF-style: chr4-2826871-C-T.
Other names: p.Arg126Cys; c.460C>T, p.Arg154Cys (NM_001145855.2); c.547C>T, p.Arg183Cys (NM_001145856.2); c.376C>T, p.Arg126Cys (NM_003023.4); short protein forms R126C, R183C, R154C.
Identifiers: ClinVar variation 1491643 (VCV001491643.9), dbSNP rs776243893, ClinGen allele CA2819060.